The following is an entry in ClinVar:

ClinVar aggregate classification (germline): Uncertain significance (1 of 4 stars; one submission).

Allele frequency attached by ClinVar (database versions not stated): TOPMed 0.00002.
gnomAD v4.1: 29 of 1,606,218 alleles (0.0018%); highest among the groups gnomAD compares: Non-Finnish European, 0.0024%; no homozygotes.

Submission:

GeneDx
Classification: Uncertain significance. Last evaluated: 2023-11-12. Review status: criteria provided, single submitter. Criteria: GeneDx Variant Classification Process June 2021. Collection method: clinical testing. Allele origin: germline.
Comment: Not observed at significant frequency in large population cohorts (gnomAD); In silico analysis supports that this missense variant has a deleterious effect on protein structure/function; Has not been previously published as pathogenic or benign to our knowledge

NM_020937.4(FANCM):c.2501A>G (p.Glu834Gly)

Gene: FANCM (FA complementation group M; plus strand). Cytogenetic location: 14q21.2.
Variant type: single nucleotide variant.
Coding change: c.2501A>G on transcript NM_020937.4 (MANE Select); coding-DNA position 2501, A replaced by G.
Protein change: p.Glu834Gly; replaces glutamic acid 834 with glycine.
Molecular consequence: missense variant.
Genome position (GRCh38, 1-based): chr14:45,175,255, A>G. VCF-style: chr14-45175255-A-G. GRCh37 (hg19) VCF-style: chr14-45644458-A-G.
Other names: c.2423A>G, p.Glu808Gly (NM_001308133.2); short protein forms E808G, E834G.
Identifiers: ClinVar variation 2576854 (VCV002576854.2), dbSNP rs923735366, ClinGen allele CA259627708.
Genomic context (GRCh38, chr14:45,175,255, plus strand): 5'-AATCGTCATTTATAAAGAACATAAATCAAGGCAGTTCATCCTCAGTGATAGAATCTGATG[A>G]AGAATGTGCTGAAATTGTTAAACAAACTCATATCAAACCTACTAAAATTGTTTCTTTAAA-3'
Protein context (NP_065988.1, residues 824-844): GSSSSVIESD[Glu834Gly]ECAEIVKQTH